The following is an entry in ClinVar:

ClinVar aggregate classification (germline): Uncertain significance. Review status: criteria provided, multiple submitters, no conflicts (2 of 4 stars). 4 submissions from 4 submitters: Uncertain significance (4). Last evaluated 2025-03-26.

Conditions:
Inborn genetic diseases. Identifiers: MedGen C0950123, MeSH D030342.

Allele frequency attached by ClinVar (database versions not stated): ESP Exome Variant Server 0.00008; TOPMed 0.00003.
gnomAD v4.1: 5 of 1,612,336 alleles (0.00031%); highest among the groups gnomAD compares: African/African-American, 0.0013%; no homozygotes.

Submissions (4):

Ambry Genetics
Classification: Uncertain significance for Inborn genetic diseases. Last evaluated: 2025-03-26. Review status: criteria provided, single submitter. Criteria: Ambry Variant Classification Scheme 2023. Collection method: clinical testing. Allele origin: germline.

GeneDx
Classification: Uncertain significance. Last evaluated: 2023-11-02. Review status: criteria provided, single submitter. Criteria: GeneDx Variant Classification Process June 2021. Collection method: clinical testing. Allele origin: germline. Affected: yes.
Comment: Not observed at significant frequency in large population cohorts (gnomAD); In silico analysis supports that this missense variant does not alter protein structure/function; Has not been previously published as pathogenic or benign to our knowledge

Labcorp Genetics (formerly Invitae), Labcorp
Classification: Uncertain significance. Last evaluated: 2021-03-28. Review status: criteria provided, single submitter. Criteria: Invitae Variant Classification Sherloc (09022015). Collection method: clinical testing. Allele origin: germline.
Comment: This variant is not present in population databases (ExAC no frequency). This sequence change replaces valine with methionine at codon 235 of the ROR2 protein (p.Val235Met). The valine residue is highly conserved and there is a small physicochemical difference between valine and methionine. In summary, the available evidence is currently insufficient to determine the role of this variant in disease. Therefore, it has been classified as a Variant of Uncertain Significance. Advanced modeling of protein sequence and biophysical properties (such as structural, functional, and spatial information, amino acid conservation, physicochemical variation, residue mobility, and thermodynamic stability) performed at Invitae indicates that this missense variant is not expected to disrupt ROR2 protein function. This variant has not been reported in the literature in individuals with ROR2-related conditions.

Blueprint Genetics
Classification: Uncertain significance. Last evaluated: 2021-03-22. Review status: criteria provided, single submitter. Criteria: ACMG Guidelines, 2015. Collection method: clinical testing. Allele origin: germline.

NM_004560.4(ROR2):c.703G>A (p.Val235Met)

Gene: ROR2 (ROR family WNT receptor 2; minus strand). Cytogenetic location: 9q22.31.
Variant type: single nucleotide variant.
Coding change: c.703G>A on transcript NM_004560.4 (MANE Select); coding-DNA position 703, G replaced by A.
Protein change: p.Val235Met; replaces valine 235 with methionine.
Molecular consequence: missense variant.
Genome position (GRCh38, 1-based): chr9:91,733,356, C>T on the plus strand (G>A on the coding strand, the complement: ROR2 is on the minus strand). VCF-style: chr9-91733356-C-T. GRCh37 (hg19) VCF-style: chr9-94495638-C-T.
Other names: c.703G>A, p.Val235Met (NM_001318204.2); c.703G>A (NM_004560.3); short protein forms V235M.
Identifiers: ClinVar variation 1000433 (VCV001000433.11), dbSNP rs140179632, ClinGen allele CA195334084.